The following is an entry in ClinVar:

NM_130839.5(UBE3A):c.20+463T>C

Genes: SNHG14 (small nucleolar RNA host gene 14; plus strand), UBE3A (ubiquitin protein ligase E3A; minus strand). Cytogenetic location: 15q11.2.
Variant type: single nucleotide variant.
Coding change: c.20+463T>C on transcript NM_130839.5 (MANE Select); 463 bases into the intron after coding-DNA position 20, T replaced by C.
Molecular consequence: intron variant. On other transcripts: synonymous variant (1), 5 prime UTR variant (7).
Genome position (GRCh38, 1-based): chr15:25,408,625, A>G on the plus strand (T>C on the coding strand, the complement: UBE3A is on the minus strand). VCF-style: chr15-25408625-A-G. GRCh37 (hg19) VCF-style: chr15-25653772-A-G.
Other names: c.24T>C, p.Tyr8= (NM_000462.5); c.-117T>C (NM_001354506.2); c.-290T>C (NM_001354509.2); c.-242T>C (NM_001354526.1, NM_001354541.2); c.-192T>C (NM_001354543.2); c.-208T>C (NM_001354544.2); c.-1599T>C (NM_001374461.1); c.-116+29864T>C (NM_001354546.2); and 8 more.
Identifiers: ClinVar variation 3030567 (VCV003030567.9), dbSNP rs371301705, ClinGen allele CA7435746.

ClinVar aggregate classification (germline): Likely benign. Review status: criteria provided, multiple submitters, no conflicts (2 of 4 stars). 3 submissions from 3 submitters: Likely benign (2). 1 of the submissions does not count toward it. Last evaluated 2025-10-01.

Conditions:
UBE3A-related disorder. Also called: UBE3A-related condition.

Allele frequency attached by ClinVar (database versions not stated): TOPMed 0.00003; gnomAD 0.00008; gnomAD exomes 0.00014; 1000 Genomes Project 30x 0.00016; ESP Exome Variant Server 0.00017; 1000 Genomes Project 0.00020; ExAC 0.00024.
gnomAD v4.1: 213 of 1,613,862 alleles (0.013%); highest among the groups gnomAD compares: South Asian, 0.12%; no homozygotes.

Submissions (3):

CeGaT Center for Human Genetics Tuebingen
Classification: Likely benign. Last evaluated: 2025-10-01. Review status: criteria provided, single submitter. Criteria: CeGaT Center For Human Genetics Tuebingen Variant Classification Criteria Version 2. Collection method: clinical testing. Allele origin: germline. Affected: yes. Observed: 1 variant allele.
Comment: UBE3A: BP4, BP7

Blueprint Genetics
Classification: Likely benign. Last evaluated: 2023-12-14. Review status: criteria provided, single submitter. Criteria: ACMG Guidelines, 2015. Collection method: clinical testing. Allele origin: germline.

PreventionGenetics, part of Exact Sciences
Classification: Likely benign for UBE3A-related condition. Last evaluated: 2022-02-23. Review status: no assertion criteria provided. Collection method: clinical testing. Allele origin: germline. Not counted in ClinVar's aggregate classification.
Comment: This variant is classified as likely benign based on ACMG/AMP sequence variant interpretation guidelines (Richards et al. 2015 PMID: 25741868, with internal and published modifications).